The following is an entry in ClinVar:

NM_002796.3(PSMB4):c.169C>T (p.Leu57Phe)

Gene: PSMB4 (proteasome 20S subunit beta 4; plus strand). Cytogenetic location: 1q21.3.
Variant type: single nucleotide variant.
Coding change: c.169C>T on transcript NM_002796.3 (MANE Select); coding-DNA position 169, C replaced by T.
Protein change: p.Leu57Phe; replaces leucine 57 with phenylalanine.
Molecular consequence: missense variant.
Genome position (GRCh38, 1-based): chr1:151,400,009, C>T. VCF-style: chr1-151400009-C-T. GRCh37 (hg19) VCF-style: chr1-151372485-C-T.
Other names: short protein forms L57F.
Identifiers: ClinVar variation 2808980 (VCV002808980.3), dbSNP rs2529156445, ClinGen allele CA341920272.

ClinVar aggregate classification (germline): Uncertain significance (1 of 4 stars; one submission).

Submission:

Labcorp Genetics (formerly Invitae), Labcorp
Classification: Uncertain significance. Last evaluated: 2023-10-05. Review status: criteria provided, single submitter. Criteria: Invitae Variant Classification Sherloc (09022015). Collection method: clinical testing. Allele origin: germline.
Comment: This sequence change replaces leucine, which is neutral and non-polar, with phenylalanine, which is neutral and non-polar, at codon 57 of the PSMB4 protein (p.Leu57Phe). This variant is not present in population databases (gnomAD no frequency). This variant has not been reported in the literature in individuals affected with PSMB4-related conditions. An algorithm developed to predict the effect of missense changes on protein structure and function (PolyPhen-2) suggests that this variant is likely to be tolerated. In summary, the available evidence is currently insufficient to determine the role of this variant in disease. Therefore, it has been classified as a Variant of Uncertain Significance.